The following is an entry in ClinVar:

NM_172107.4(KCNQ2):c.33C>A (p.Tyr11Ter)

Gene: KCNQ2 (potassium voltage-gated channel subfamily Q member 2; minus strand). Cytogenetic location: 20q13.33.
Variant type: single nucleotide variant.
Coding change: c.33C>A on transcript NM_172107.4 (MANE Select); coding-DNA position 33, C replaced by A.
Protein change: p.Tyr11Ter; replaces tyrosine 11 with a stop codon.
Molecular consequence: nonsense.
Genome position (GRCh38, 1-based): chr20:63,472,431, G>T on the plus strand (C>A on the coding strand, the complement: KCNQ2 is on the minus strand). VCF-style: chr20-63472431-G-T. GRCh37 (hg19) VCF-style: chr20-62103784-G-T.
Other names: c.33C>A, p.Tyr11Ter (NM_001382235.1, NM_004518.6, NM_172106.3 and 2 more transcripts); short protein forms Y11*.
Identifiers: ClinVar variation 934077 (VCV000934077.11), dbSNP rs2082240394, ClinGen allele CA409636202.

ClinVar aggregate classification (germline): Pathogenic/Likely pathogenic. Review status: criteria provided, multiple submitters, no conflicts (2 of 4 stars). 3 submissions from 3 submitters: Pathogenic (2); Likely pathogenic (1). Last evaluated 2026-02-13.

Conditions:
Seizures, benign familial neonatal, 1. Also called: Benign Neonatal Epilepsy 1; KCNQ2-Related Benign Familial Neonatal Epilepsy; KCNQ2-Related Self-Limited Familial Neonatal Epilepsy (SLFNE); Seizures, benign neonatal, 1. Identifiers: Orphanet 1949, MedGen C3149074, MONDO:0007365, OMIM 121200.
Developmental and epileptic encephalopathy, 7 (DEE7). Also called: Early infantile epileptic encephalopathy 7; KCNQ2-Related Neonatal Epileptic Encephalopathy; KCNQ2-Related Neonatal-Onset Developmental and Epileptic Encephalopathy (NEO-DEE). Identifiers: Orphanet 439218, MedGen C3150986, MONDO:0013387, OMIM 613720.
Early-infantile DEE. Also called: Early infantile epileptic encephalopathy; Ohtahara syndrome; Early infantile epileptic encephalopathy with suppression bursts. Identifiers: Orphanet 1934, MedGen C0393706, MONDO:0800491.

Submissions (3):

GeneDx
Classification: Pathogenic. Last evaluated: 2026-02-13. Review status: criteria provided, single submitter. Criteria: GeneDx Variant Classification Process June 2021. Collection method: clinical testing. Allele origin: germline.
Comment: Nonsense variant predicted to result in protein truncation or nonsense mediated decay in a gene for which loss of function is a known mechanism of disease; Not observed at significant frequency in large population cohorts (gnomAD); Has not been previously published as pathogenic or benign to our knowledge

Labcorp Genetics (formerly Invitae), Labcorp
Classification: Pathogenic for Early-infantile DEE. Last evaluated: 2023-10-13. Review status: criteria provided, single submitter. Criteria: Invitae Variant Classification Sherloc (09022015). Collection method: clinical testing. Allele origin: germline.
Comment: This sequence change creates a premature translational stop signal (p.Tyr11*) in the KCNQ2 gene. It is expected to result in an absent or disrupted protein product. Loss-of-function variants in KCNQ2 are known to be pathogenic (PMID: 14534157, 23692823, 27779742). This variant is not present in population databases (gnomAD no frequency). This variant has not been reported in the literature in individuals affected with KCNQ2-related conditions. ClinVar contains an entry for this variant (Variation ID: 934077). For these reasons, this variant has been classified as Pathogenic.

Juno Genomics, Hangzhou Juno Genomics, Inc
Classification: Likely pathogenic for Seizures, benign familial neonatal, 1; Developmental and epileptic encephalopathy, 7. Review status: criteria provided, single submitter. Criteria: ACMG Guidelines, 2015. Collection method: clinical testing. Allele origin: germline. Affected: yes.
Comment: Absent from controls (or at extremely low frequency if recessive) in Genome Aggregation Database.;Null variant in a gene where loss of function (LOF) is a known mechanism of disease.

Literature cited by the submitters: PubMed 14534157 (cited by Labcorp Genetics (formerly Invitae), Labcorp); PubMed 23692823 (cited by Labcorp Genetics (formerly Invitae), Labcorp); PubMed 27779742 (cited by Labcorp Genetics (formerly Invitae), Labcorp).